The following is an entry in ClinVar:

ClinVar aggregate classification (germline): Uncertain significance (1 of 4 stars; one submission).

Conditions:
Cardiomyopathy (CMYO). Also called: Cardiomyopathies. Identifiers: Orphanet 167848, MedGen C0878544, MONDO:0004994, HP:0001638. Inheritance: Various modes of inheritance.

Submission:

Color Diagnostics, LLC DBA Color Health
Classification: Uncertain significance for Cardiomyopathy. Last evaluated: 2025-09-29. Review status: criteria provided, single submitter. Criteria: ACMG Guidelines, 2015. Collection method: clinical testing. Allele origin: germline.
Comment: This missense variant replaces histidine with aspartic acid at codon 14 of the TMEM43 protein. Computational prediction suggests that this variant may not impact protein structure and function. To our knowledge, functional studies have not been reported for this variant. This variant has not been reported in individuals affected with TMEM43-related disorders in the literature. This variant has not been identified in the general population by the Genome Aggregation Database (gnomAD). The available evidence is insufficient to determine the role of this variant in disease conclusively. Therefore, this variant is classified as a Variant of Uncertain Significance.

NM_024334.3(TMEM43):c.40C>G (p.His14Asp)

Gene: TMEM43 (transmembrane protein 43; plus strand). Cytogenetic location: 3p25.1.
Variant type: single nucleotide variant.
Coding change: c.40C>G on transcript NM_024334.3 (MANE Select); coding-DNA position 40, C replaced by G.
Protein change: p.His14Asp; replaces histidine 14 with aspartic acid.
Molecular consequence: missense variant. On other transcripts: intron variant (1).
Genome position (GRCh38, 1-based): chr3:14,129,439, C>G. VCF-style: chr3-14129439-C-G. GRCh37 (hg19) VCF-style: chr3-14170939-C-G.
Other names: c.40C>G, p.His14Asp (NM_001407274.1, NM_001407275.1, NM_001407276.1 and 3 more transcripts); c.13-1383C>G (NM_001407280.1); short protein forms H14D.
Identifiers: ClinVar variation 4758097 (VCV004758097.1).